The following is an entry in ClinVar:

NM_152564.5(VPS13B):c.11753G>A (p.Gly3918Glu)

Gene: VPS13B (vacuolar protein sorting 13 homolog B; plus strand). Cytogenetic location: 8q22.2.
Variant type: single nucleotide variant.
Coding change: c.11753G>A on transcript NM_152564.5 (MANE Select); coding-DNA position 11753, G replaced by A.
Protein change: p.Gly3918Glu; replaces glycine 3918 with glutamic acid.
Molecular consequence: missense variant.
Genome position (GRCh38, 1-based): chr8:99,875,425, G>A. VCF-style: chr8-99875425-G-A. GRCh37 (hg19) VCF-style: chr8-100887653-G-A.
Other names: c.11828G>A, p.Gly3943Glu (NM_017890.5); short protein forms G3918E, G3943E.
Identifiers: ClinVar variation 1468161 (VCV001468161.8), dbSNP rs2130990090, ClinGen allele CA371795477.

ClinVar aggregate classification (germline): Uncertain significance (1 of 4 stars; one submission).

Conditions:
Cohen syndrome (COH1). Also called: PEPPER SYNDROME; Cutis verticis gyrata, retinitis pigmentosa, and sensorineural deafness. Identifiers: Orphanet 193, MedGen C0265223, MONDO:0008999, OMIM 216550.

Submission:

Labcorp Genetics (formerly Invitae), Labcorp
Classification: Uncertain significance for Cohen syndrome. Last evaluated: 2024-02-24. Review status: criteria provided, single submitter. Criteria: Invitae Variant Classification Sherloc (09022015). Collection method: clinical testing. Allele origin: germline.
Comment: This sequence change replaces glycine with glutamic acid at codon 3943 of the VPS13B protein (p.Gly3943Glu). The glycine residue is moderately conserved and there is a moderate physicochemical difference between glycine and glutamic acid. This variant is not present in population databases (gnomAD no frequency). This variant has not been reported in the literature in individuals affected with VPS13B-related conditions. ClinVar contains an entry for this variant (Variation ID: 1468161). Advanced modeling of protein sequence and biophysical properties (such as structural, functional, and spatial information, amino acid conservation, physicochemical variation, residue mobility, and thermodynamic stability) performed at Invitae indicates that this missense variant is expected to disrupt VPS13B protein function with a positive predictive value of 80%. In summary, the available evidence is currently insufficient to determine the role of this variant in disease. Therefore, it has been classified as a Variant of Uncertain Significance.